The following is an entry in ClinVar:

ClinVar aggregate classification (germline): Uncertain significance (1 of 4 stars; one submission).

Allele frequency attached by ClinVar (database versions not stated): gnomAD exomes 0.00003; ExAC 0.00006.
gnomAD v4.1: 45 of 1,530,286 alleles (0.0029%); highest among the groups gnomAD compares: East Asian, 0.013%; no homozygotes.

Submission:

Labcorp Genetics (formerly Invitae), Labcorp
Classification: Uncertain significance. Last evaluated: 2024-11-29. Review status: criteria provided, single submitter. Criteria: Invitae Variant Classification Sherloc (09022015). Collection method: clinical testing. Allele origin: germline.
Comment: This sequence change replaces arginine, which is basic and polar, with proline, which is neutral and non-polar, at codon 1600 of the APC2 protein (p.Arg1600Pro). This variant is present in population databases (rs766265412, gnomAD 0.01%). This variant has not been reported in the literature in individuals affected with APC2-related conditions. ClinVar contains an entry for this variant (Variation ID: 1973096). Invitae Evidence Modeling of protein sequence and biophysical properties (such as structural, functional, and spatial information, amino acid conservation, physicochemical variation, residue mobility, and thermodynamic stability) indicates that this missense variant is not expected to disrupt APC2 protein function with a negative predictive value of 80%. In summary, the available evidence is currently insufficient to determine the role of this variant in disease. Therefore, it has been classified as a Variant of Uncertain Significance.

NM_005883.3(APC2):c.4799G>C (p.Arg1600Pro)

Gene: APC2 (APC regulator of WNT signaling pathway 2; plus strand). Cytogenetic location: 19p13.3.
Variant type: single nucleotide variant.
Coding change: c.4799G>C on transcript NM_005883.3 (MANE Select); coding-DNA position 4799, G replaced by C.
Protein change: p.Arg1600Pro; replaces arginine 1600 with proline.
Molecular consequence: missense variant.
Genome position (GRCh38, 1-based): chr19:1,468,100, G>C. VCF-style: chr19-1468100-G-C. GRCh37 (hg19) VCF-style: chr19-1468099-G-C.
Other names: c.4796G>C, p.Arg1599Pro (NM_001351273.1); short protein forms R1600P, R1599P.
Identifiers: ClinVar variation 1973096 (VCV001973096.3), dbSNP rs766265412, ClinGen allele CA9045924.
Genomic context (GRCh38, chr19:1,468,100, plus strand): 5'-GCTCCTCCGCCAGCTCCCTCAGCGAGCCCGAGCCCTCGGAGCCGCCGGCCGTCCATCCAC[G>C]AGGCCGGGAGCCCGCGGTCACCAAGGACCCGGGCCCAGGAGGCGGACGCGACAGCTCGCC-3'
Protein context (NP_005874.1, residues 1590-1610): EPSEPPAVHP[Arg1600Pro]GREPAVTKDP